The following is an entry in ClinVar:

ClinVar aggregate classification (germline): Uncertain significance (1 of 4 stars; one submission).

Conditions:
Hereditary cancer-predisposing syndrome. Also called: Tumor predisposition; Hereditary Cancer Syndrome; Hereditary neoplastic syndrome; Neoplastic Syndromes, Hereditary. Identifiers: Orphanet 140162, MedGen C0027672, MeSH D009386, MONDO:0015356.

Submission:

Ambry Genetics
Classification: Uncertain significance for Hereditary cancer-predisposing syndrome. Last evaluated: 2024-05-29. Review status: criteria provided, single submitter. Criteria: Ambry Variant Classification Scheme 2023. Collection method: clinical testing. Allele origin: germline.
Comment: The p.K253E variant (also known as c.757A>G), located in coding exon 5 of the NTHL1 gene, results from an A to G substitution at nucleotide position 757. The lysine at codon 253 is replaced by glutamic acid, an amino acid with similar properties. This amino acid position is conserved. In addition, this alteration is predicted to be tolerated by in silico analysis. Based on the available evidence, the clinical significance of this variant remains unclear.

NM_002528.7(NTHL1):c.733A>G (p.Lys245Glu)

Gene: NTHL1 (nth like DNA glycosylase 1; minus strand). Cytogenetic location: 16p13.3.
Variant type: single nucleotide variant.
Coding change: c.733A>G on transcript NM_002528.7 (MANE Select); coding-DNA position 733, A replaced by G.
Protein change: p.Lys245Glu; replaces lysine 245 with glutamic acid.
Molecular consequence: missense variant.
Genome position (GRCh38, 1-based): chr16:2,040,191, T>C on the plus strand (A>G on the coding strand, the complement: NTHL1 is on the minus strand). VCF-style: chr16-2040191-T-C. GRCh37 (hg19) VCF-style: chr16-2090192-T-C.
Other names: c.562A>G, p.Lys188Glu (NM_001318193.2); c.403A>G, p.Lys135Glu (NM_001318194.2); short protein forms K188E, K245E, K135E.
Identifiers: ClinVar variation 3301270 (VCV003301270.1).